The following is an entry in ClinVar:

ClinVar aggregate classification (germline): Uncertain significance (1 of 4 stars; one submission).

Conditions:
Arrhythmogenic cardiomyopathy with wooly hair and keratoderma. Also called: PALMOPLANTAR KERATODERMA WITH LEFT VENTRICULAR CARDIOMYOPATHY AND WOOLLY HAIR; Carvajal syndrome; Dilated cardiomyopathy with woolly hair and keratoderma; Arrhythmogenic cardiomyopathy with woolly hair and keratoderma. Identifiers: Orphanet 65282, MedGen C1854063, MONDO:0011581, OMIM 605676.

Allele frequency attached by ClinVar (database versions not stated): gnomAD exomes 0.00001.
gnomAD v4.1: 5 of 1,614,164 alleles (0.00031%); highest among the groups gnomAD compares: East Asian, 0.011%; no homozygotes.

Submission:

All of Us Research Program, National Institutes of Health
Classification: Uncertain significance for Arrhythmogenic cardiomyopathy with wooly hair and keratoderma. Last evaluated: 2023-11-02. Review status: criteria provided, single submitter. Criteria: ACMG Guidelines, 2015. Collection method: clinical testing. Allele origin: germline. Inheritance: Autosomal dominant inheritance. Observed: 1 variant allele, 1 heterozygote.
Comment: This missense variant replaces alanine with threonine at codon 2709 of the DSP protein. Computational prediction suggests that this variant may not impact protein structure and function (internally defined REVEL score threshold <= 0.5, PMID: 27666373). To our knowledge, functional studies have not been reported for this variant. This variant has been reported in one individual affected with left ventricular non-compaction (PMID: 30165862). This variant has been identified in 1/251442 chromosomes in the general population by the Genome Aggregation Database (gnomAD). The available evidence is insufficient to determine the role of this variant in disease conclusively. Therefore, this variant is classified as a Variant of Uncertain Significance.

This study involves interpretation of variants in research participants for the purpose of population health screening. Participant phenotype was not available at the time of variant classification. Additional details can be found in publication PMID: 35346344, PMCID: PMC8962531

Literature cited by the submitters: PubMed 30165862.

NM_004415.4(DSP):c.8125G>A (p.Ala2709Thr)

Gene: DSP (desmoplakin; plus strand). Cytogenetic location: 6p24.3.
Variant type: single nucleotide variant.
Coding change: c.8125G>A on transcript NM_004415.4 (MANE Select); coding-DNA position 8125, G replaced by A.
Protein change: p.Ala2709Thr; replaces alanine 2709 with threonine.
Molecular consequence: missense variant.
Genome position (GRCh38, 1-based): chr6:7,585,387, G>A. VCF-style: chr6-7585387-G-A. GRCh37 (hg19) VCF-style: chr6-7585620-G-A.
Other names: c.6328G>A, p.Ala2110Thr (NM_001008844.3); c.6796G>A, p.Ala2266Thr (NM_001319034.2); short protein forms A2110T, A2266T, A2709T.
Identifiers: ClinVar variation 3074302 (VCV003074302.1), dbSNP rs1423939369, ClinGen allele CA362694492.